The following is an entry in ClinVar:

ClinVar aggregate classification (germline): Uncertain significance. Review status: criteria provided, multiple submitters, no conflicts (2 of 4 stars). 2 submissions from 2 submitters: Uncertain significance (2). Last evaluated 2026-06-01.

Conditions:
AFF3-related disorder. Also called: AFF3-related condition.

gnomAD v4.1: 3 of 1,606,848 alleles (0.00019%); highest among the groups gnomAD compares: Admixed American, 0.0017%; no homozygotes.

Submissions (2):

CeGaT Center for Human Genetics Tuebingen
Classification: Uncertain significance. Last evaluated: 2026-06-01. Review status: criteria provided, single submitter. Criteria: CeGaT Center For Human Genetics Tuebingen Variant Classification Criteria Version 2. Collection method: clinical testing. Allele origin: germline. Affected: yes. Observed: 1 variant allele.
Comment: AFF3: PM2, BP4

PreventionGenetics, part of Exact Sciences
Classification: Uncertain significance for AFF3-related condition. Last evaluated: 2025-12-23. Review status: criteria provided, single submitter. Criteria: ACMG Guidelines, 2015. Collection method: clinical testing. Allele origin: germline.
Comment: The AFF3 c.1031A>G variant is predicted to result in the amino acid substitution p.Asn344Ser. To our knowledge, this variant has not been reported in the literature or in a large population database (gnomAD), indicating this variant is rare. At this time, the clinical significance of this variant is uncertain due to the absence of conclusive functional and genetic evidence.

NM_001386135.1(AFF3):c.1031A>G (p.Asn344Ser)

Gene: AFF3 (ALF transcription elongation factor 3; minus strand). Cytogenetic location: 2q11.2.
Variant type: single nucleotide variant.
Coding change: c.1031A>G on transcript NM_001386135.1 (MANE Select); coding-DNA position 1031, A replaced by G.
Protein change: p.Asn344Ser; replaces asparagine 344 with serine.
Molecular consequence: missense variant.
Genome position (GRCh38, 1-based): chr2:99,744,112, T>C on the plus strand (A>G on the coding strand, the complement: AFF3 is on the minus strand). VCF-style: chr2-99744112-T-C. GRCh37 (hg19) VCF-style: chr2-100360574-T-C.
Other names: c.1106A>G, p.Asn369Ser (NM_001025108.2); c.1031A>G, p.Asn344Ser (NM_002285.3); c.1031A>G (NM_002285.2); short protein forms N344S, N369S.
Identifiers: ClinVar variation 4875128 (VCV004875128.3).